The following is an entry in ClinVar:

ClinVar aggregate classification (germline): Benign. Review status: criteria provided, multiple submitters, no conflicts (2 of 4 stars). 2 submissions from 2 submitters: Benign (2). Last evaluated 2018-01-12.

Conditions:
Peters plus syndrome. Also called: KRAUSE-KIVLIN SYNDROME. Identifiers: Orphanet 709, MedGen C0796012, MONDO:0009856, OMIM 261540.

Allele frequency attached by ClinVar (database versions not stated): 1000 Genomes Project 0.62640; 1000 Genomes Project 30x 0.62742; TOPMed 0.67113; gnomAD 0.67908; gnomAD exomes 1.00000.
gnomAD v4.1: 102,734 of 151,094 alleles (68%); highest among the groups gnomAD compares: Non-Finnish European, 77%; 35,703 homozygotes.

Submissions (2):

Illumina Laboratory Services, Illumina
Classification: Benign for Peters plus syndrome. Last evaluated: 2018-01-12. Review status: criteria provided, single submitter. Criteria: ICSL Variant Classification Criteria 13 December 2019. Collection method: clinical testing. Allele origin: germline.
Comment: This variant was observed in the ICSL laboratory as part of a predisposition screen in an ostensibly healthy population. It had not been previously curated by ICSL or reported in the Human Gene Mutation Database (HGMD: prior to June 1st, 2018), and was therefore a candidate for classification through an automated scoring system. Utilizing variant allele frequency, disease prevalence and penetrance estimates, and inheritance mode, an automated score was calculated to assess if this variant is too frequent to cause the disease. Based on the score and internal cut-off values, a variant classified as benign is not then subjected to further curation. The score for this variant resulted in a classification of benign for this disease.

Breakthrough Genomics
Classification: Benign. Review status: criteria provided, single submitter. Criteria: ACMG Guidelines, 2015. Collection method: not provided. Allele origin: germline. Inheritance: Autosomal recessive inheritance. Affected: yes.

NM_194318.4(B3GLCT):c.*1801A>G

Gene: B3GLCT (beta 3-glucosyltransferase; plus strand). Cytogenetic location: 13q12.3.
Variant type: single nucleotide variant.
Coding change: c.*1801A>G on transcript NM_194318.4 (MANE Select); 1801 bases downstream of the stop codon, A replaced by G.
Molecular consequence: 3 prime UTR variant.
Genome position (GRCh38, 1-based): chr13:31,331,469, A>G. VCF-style: chr13-31331469-A-G. GRCh37 (hg19) VCF-style: chr13-31905606-A-G.
Identifiers: ClinVar variation 883943 (VCV000883943.5), dbSNP rs912604, ClinGen allele CA13856857.